The following is an entry in ClinVar:

NM_005458.8(GABBR2):c.1071C>T (p.Tyr357=)

Gene: GABBR2 (gamma-aminobutyric acid type B receptor subunit 2; minus strand). Cytogenetic location: 9q22.33.
Variant type: single nucleotide variant.
Coding change: c.1071C>T on transcript NM_005458.8 (MANE Select); coding-DNA position 1071, C replaced by T.
Protein change: p.Tyr357=; no amino-acid change (tyrosine 357 retained).
Molecular consequence: synonymous variant.
Genome position (GRCh38, 1-based): chr9:98,454,146, G>A on the plus strand (C>T on the coding strand, the complement: GABBR2 is on the minus strand). VCF-style: chr9-98454146-G-A. GRCh37 (hg19) VCF-style: chr9-101216428-G-A.
Identifiers: ClinVar variation 1084765 (VCV001084765.36), dbSNP rs568256004, ClinGen allele CA5152810.

ClinVar aggregate classification (germline): Likely benign. Review status: criteria provided, multiple submitters, no conflicts (2 of 4 stars). 5 submissions from 5 submitters: Likely benign (4). 1 of the submissions does not count toward it. Last evaluated 2025-12-03.

Conditions:
GABBR2-related disorder. Also called: GABBR2-related disorders; GABBR2-related condition.
Epileptic encephalopathy. Identifiers: MedGen C0543888, HP:0200134.

Allele frequency attached by ClinVar (database versions not stated): gnomAD exomes 0.00005 and 0.00006; ExAC 0.00006; TOPMed 0.00007; gnomAD 0.00011 and 0.00013.
gnomAD v4.1: 89 of 1,613,986 alleles (0.0055%); highest among the groups gnomAD compares: Admixed American, 0.02%; no homozygotes.

Submissions (5):

Labcorp Genetics (formerly Invitae), Labcorp
Classification: Likely benign for Epileptic encephalopathy. Last evaluated: 2025-12-03. Review status: criteria provided, single submitter. Criteria: Invitae Variant Classification Sherloc (09022015). Collection method: clinical testing. Allele origin: germline.

Blueprint Genetics
Classification: Likely benign. Last evaluated: 2024-07-19. Review status: criteria provided, single submitter. Criteria: ACMG Guidelines, 2015. Collection method: clinical testing. Allele origin: germline.

CeGaT Center for Human Genetics Tuebingen
Classification: Likely benign. Last evaluated: 2023-01-01. Review status: criteria provided, single submitter. Criteria: CeGaT Center For Human Genetics Tuebingen Variant Classification Criteria Version 2. Collection method: clinical testing. Allele origin: germline. Affected: yes. Observed: 1 variant allele.
Comment: GABBR2: BP4, BP7

GeneDx
Classification: Likely benign. Last evaluated: 2019-02-07. Review status: criteria provided, single submitter. Criteria: GeneDx Variant Classification Process June 2021. Collection method: clinical testing. Allele origin: germline. Affected: yes.

PreventionGenetics, part of Exact Sciences
Classification: Likely benign for GABBR2-related condition. Last evaluated: 2020-05-11. Review status: no assertion criteria provided. Collection method: clinical testing. Allele origin: germline. Not counted in ClinVar's aggregate classification.
Comment: This variant is classified as likely benign based on ACMG/AMP sequence variant interpretation guidelines (Richards et al. 2015 PMID: 25741868, with internal and published modifications).